The following is an entry in ClinVar:

NM_000264.5(PTCH1):c.406del (p.Arg135_Val136insTer)

Gene: PTCH1 (patched 1; minus strand). Cytogenetic location: 9q22.32.
Variant type: Deletion.
Coding change: c.406del on transcript NM_000264.5 (MANE Select); coding-DNA position 406, one base deleted (G; older notation c.406delG).
Protein change: p.Arg135_Val136insTer.
Molecular consequence: nonsense. On other transcripts: 5 prime UTR variant (4), non-coding transcript variant (1).
Genome position (GRCh38, 1-based): chr9:95,485,863, C deleted on the plus strand (G on the coding strand, the reverse complement: PTCH1 is on the minus strand). VCF-style (leftmost placement, unchanged base first): chr9-95485862-AC-A. GRCh37 (hg19) VCF-style: chr9-98248144-AC-A.
Other names: c.208del, p.Arg69_Val70insTer (NM_001083602.3, NM_001354919.2); c.403del, p.Arg134_Val135insTer (NM_001083603.3); c.-48del (NM_001083604.3, NM_001083605.3, NM_001083606.3 and 1 more transcripts); c.406del, p.Arg135_Val136insTer (NM_001354918.2).
Identifiers: ClinVar variation 1073274 (VCV001073274.9), dbSNP rs2118550859, ClinGen allele CA2499220090.
Genomic context (GRCh38, chr9:95,485,862, plus strand): 5'-TGAGGATTAAACATAGCCTCTTCTCCAATCTTCTGGCGAGTATAATTTAATTCACGACTT[AC>A]TCGTCCTCCAACTGACAAATATGTACAGGTTTAATTAGAATAGCAAAATCACTGCAAACT-3'

ClinVar aggregate classification (germline): Pathogenic (1 of 4 stars; one submission).

Conditions:
Gorlin syndrome. Also called: Basal cell nevus syndrome; Nevoid Basal Cell Carcinoma Syndrome. Identifiers: Orphanet 377, MedGen C0004779, MONDO:0007187.

Submission:

Labcorp Genetics (formerly Invitae), Labcorp
Classification: Pathogenic for Gorlin syndrome. Last evaluated: 2020-09-16. Review status: criteria provided, single submitter. Criteria: Invitae Variant Classification Sherloc (09022015). Collection method: clinical testing. Allele origin: germline.
Comment: This variant has not been reported in the literature in individuals with PTCH1-related conditions. This variant is not present in population databases (ExAC no frequency). This sequence change creates a premature translational stop signal (p.Val136*) in the PTCH1 gene. It is expected to result in an absent or disrupted protein product. For these reasons, this variant has been classified as Pathogenic. Loss-of-function variants in PTCH1 are known to be pathogenic (PMID: 16301862, 16419085).

Literature cited by the submitters: PubMed 16301862; PubMed 16419085.